The following is an entry in ClinVar:

ClinVar aggregate classification (germline): Pathogenic/Likely pathogenic. Review status: criteria provided, multiple submitters, no conflicts (2 of 4 stars). 3 submissions from 3 submitters: Pathogenic (1); Likely pathogenic (2). Last evaluated 2024-06-23.

Conditions:
Tay-Sachs disease (TSD). Also called: HEXA Disorders; HEXA DEFICIENCY; GM2 gangliosidosis, type 1; Hexosaminidase alpha-subunit deficiency (variant B); Sphingolipidosis, Tay-Sachs; Hexosaminidase A Deficiency. Identifiers: Orphanet 845, MedGen C0039373, MONDO:0010100, OMIM 272800.

Submissions (3):

Natera, Inc.
Classification: Likely pathogenic for Tay-Sachs disease. Last evaluated: 2024-06-23. Review status: criteria provided, single submitter. Criteria: Natera Variant Classification Schema (03/2026). Collection method: clinical testing. Allele origin: germline.
Comment: The c.1549dupC variant in HEXA is a frameshift variant predicted to shift the reading frame beginning at codon 517 and leads to a stop codon 7 codons downstream. This variant is expected to result in nonsense mediated decay, truncation, or a dysfunctional protein product. This variant is rare in the general population with a frequency below the threshold expected for the associated phenotype(s). Given the available evidence, this variant is classified as Likely Pathogenic.

Labcorp Genetics (formerly Invitae), Labcorp
Classification: Pathogenic for Tay-Sachs disease. Last evaluated: 2023-05-15. Review status: criteria provided, single submitter. Criteria: Invitae Variant Classification Sherloc (09022015). Collection method: clinical testing. Allele origin: germline.
Comment: For these reasons, this variant has been classified as Pathogenic. This variant disrupts the p.Phe521 amino acid residue in HEXA. Other variant(s) that disrupt this residue have been determined to be pathogenic (PMID: 25860343). This suggests that this residue is clinically significant, and that variants that disrupt this residue are likely to be disease-causing. ClinVar contains an entry for this variant (Variation ID: 528047). This premature translational stop signal has been observed in individual(s) with Tay-Sachs disease (PMID: 9150157). In at least one individual the data is consistent with being in trans (on the opposite chromosome) from a pathogenic variant. This variant is not present in population databases (gnomAD no frequency). This sequence change creates a premature translational stop signal (p.Leu517Profs*7) in the HEXA gene. While this is not anticipated to result in nonsense mediated decay, it is expected to disrupt the last 13 amino acid(s) of the HEXA protein.

Women's Health and Genetics/Laboratory Corporation of America, LabCorp
Classification: Likely pathogenic for Tay-Sachs disease. Last evaluated: 2023-02-23. Review status: criteria provided, single submitter. Criteria: LabCorp Variant Classification Summary - May 2015. Collection method: clinical testing. Allele origin: germline.
Comment: Variant summary: HEXA c.1549dupC (p.Leu517ProfsX7) results in a premature termination codon which is predicted to cause a truncation of the encoded protein. Although the variant is not predicted to cause absence of the protein through nonsense mediated decay, the variant is predicted to disrupt the last 13 amino acids in the protein sequence. The variant was absent in 251476 control chromosomes (gnomAD). These data indicate that the variant may be associated with disease. To our knowledge, no experimental evidence demonstrating an impact on protein function has been reported. One ClinVar submitter has assessed the variant since 2014: the variant was classified as pathogenic. Based on the evidence outlined above, the variant was classified as likely pathogenic.

Literature cited by the submitters: PubMed 25860343 (cited by Labcorp Genetics (formerly Invitae), Labcorp); PubMed 9150157 (cited by Labcorp Genetics (formerly Invitae), Labcorp and Women's Health and Genetics/Laboratory Corporation of America, LabCorp); PubMed 10571007 (cited by Women's Health and Genetics/Laboratory Corporation of America, LabCorp).

NM_000520.6(HEXA):c.1549dup (p.Leu517fs)

Gene: HEXA (hexosaminidase subunit alpha; minus strand). Cytogenetic location: 15q23.
Variant type: Duplication.
Coding change: c.1549dup on transcript NM_000520.6 (MANE Select); coding-DNA position 1549, one base duplicated (C; older notation c.1549dupC).
Protein change: p.Leu517fs; shifts the reading frame from leucine 517.
Molecular consequence: frameshift variant.
Genome position (GRCh38, 1-based): chr15:72,344,118, G duplicated on the plus strand (C on the coding strand, the reverse complement: HEXA is on the minus strand); the first of 4 consecutive G bases (chr15:72,344,118-72,344,121); duplicating any one gives the same sequence. VCF-style (leftmost placement, unchanged base first): chr15-72344117-A-AG. GRCh37 (hg19) VCF-style: chr15-72636458-A-AG.
Other names: c.1549dupC (NM_000520.5); c.1582dup, p.Leu528fs (NM_001318825.2); short protein forms L517fs, L528fs.
Identifiers: ClinVar variation 528047 (VCV000528047.12), dbSNP rs1555472161, ClinGen allele CA658798401.